The following is an entry in ClinVar:

NM_000744.7(CHRNA4):c.1721T>C (p.Ile574Thr)

Gene: CHRNA4 (cholinergic receptor nicotinic alpha 4 subunit; minus strand). Cytogenetic location: 20q13.33.
Variant type: single nucleotide variant.
Coding change: c.1721T>C on transcript NM_000744.7 (MANE Select); coding-DNA position 1721, T replaced by C.
Protein change: p.Ile574Thr; replaces isoleucine 574 with threonine.
Molecular consequence: missense variant. On other transcripts: non-coding transcript variant (1).
Genome position (GRCh38, 1-based): chr20:63,349,690, A>G on the plus strand (T>C on the coding strand, the complement: CHRNA4 is on the minus strand). VCF-style: chr20-63349690-A-G. GRCh37 (hg19) VCF-style: chr20-61981042-A-G.
Other names: c.1193T>C, p.Ile398Thr (NM_001256573.2); short protein forms I574T, I398T.
Identifiers: ClinVar variation 579522 (VCV000579522.14), dbSNP rs139657121, ClinGen allele CA9957540.

ClinVar aggregate classification (germline): Conflicting classifications of pathogenicity. Review status: criteria provided, conflicting classifications (1 of 4 stars). 4 submissions from 4 submitters: Uncertain significance (2); Likely benign (1). 1 of the submissions does not count toward it. Last evaluated 2025-10-10.

Conditions:
Familial sleep-related hypermotor epilepsy. Also called: Autosomal Dominant Sleep-Related Hypermotor (Hyperkinetic) Epilepsy. Identifiers: Orphanet 98784, MedGen C3696898, MONDO:0000030.
Inborn genetic diseases. Identifiers: MedGen C0950123, MeSH D030342.
Seizure. Also called: Seizures. Identifiers: MedGen C0036572, HP:0001250.

Allele frequency attached by ClinVar (database versions not stated): TOPMed 0.00001; gnomAD exomes 0.00002; gnomAD 0.00001; ExAC 0.00002; ESP Exome Variant Server 0.00008.
gnomAD v4.1: 33 of 1,612,638 alleles (0.002%); highest among the groups gnomAD compares: Non-Finnish European, 0.0028%; no homozygotes.

Submissions (4):

Labcorp Genetics (formerly Invitae), Labcorp
Classification: Likely benign. Last evaluated: 2025-10-10. Review status: criteria provided, single submitter. Criteria: Invitae Variant Classification Sherloc (09022015). Collection method: clinical testing. Allele origin: germline.

Athena Diagnostics
Classification: Uncertain significance. Last evaluated: 2019-04-25. Review status: criteria provided, single submitter. Criteria: Athena Diagnostics Criteria. Collection method: clinical testing. Allele origin: germline.

Ambry Genetics
Classification: Uncertain significance for Inborn genetic diseases. Last evaluated: 2018-12-12. Review status: criteria provided, single submitter. Criteria: Ambry Variant Classification Scheme 2023. Collection method: clinical testing. Allele origin: germline.
Comment: The p.I574T variant (also known as c.1721T>C), located in coding exon 5 of the CHRNA4 gene, results from a T to C substitution at nucleotide position 1721. The isoleucine at codon 574 is replaced by threonine, an amino acid with similar properties. This amino acid position is well conserved in available vertebrate species. In addition, this alteration is predicted to be deleterious by in silico analysis. Since supporting evidence is limited at this time, the clinical significance of this alteration remains unclear.

Clinical Molecular Genetics Laboratory, Johns Hopkins All Children's Hospital
Classification: Uncertain significance for Seizures. Last evaluated: 2016-10-11. Review status: no assertion criteria provided. Collection method: clinical testing. Allele origin: germline. Affected: yes. Not counted in ClinVar's aggregate classification.